The following is an entry in ClinVar:

ClinVar aggregate classification (germline): Uncertain significance (1 of 4 stars; one submission).

Conditions:
Multiple congenital anomalies-hypotonia-seizures syndrome 2 (MCAHS2). Also called: GLYCOSYLPHOSPHATIDYLINOSITOL BIOSYNTHESIS DEFECT 4; EPILEPTIC ENCEPHALOPATHY, EARLY INFANTILE, 20. Identifiers: Orphanet 300496, MedGen C3275508, MONDO:0010466, OMIM 300868.

Allele frequency attached by ClinVar (database versions not stated): gnomAD exomes below 0.00001 and 0.00001; ExAC 0.00001.
gnomAD v4.1: 2 of 1,211,923 alleles (0.00017%); highest among the groups gnomAD compares: South Asian, 0.0018%; no homozygotes.

Submission:

Labcorp Genetics (formerly Invitae), Labcorp
Classification: Uncertain significance for Multiple congenital anomalies-hypotonia-seizures syndrome 2. Last evaluated: 2020-09-11. Review status: criteria provided, single submitter. Criteria: Invitae Variant Classification Sherloc (09022015). Collection method: clinical testing. Allele origin: germline.
Comment: Algorithms developed to predict the effect of missense changes on protein structure and function (SIFT, PolyPhen-2, Align-GVGD) all suggest that this variant is likely to be tolerated, but these predictions have not been confirmed by published functional studies and their clinical significance is uncertain. In summary, the available evidence is currently insufficient to determine the role of this variant in disease. Therefore, it has been classified as a Variant of Uncertain Significance. This sequence change replaces threonine with isoleucine at codon 102 of the PIGA protein (p.Thr102Ile). The threonine residue is highly conserved and there is a moderate physicochemical difference between threonine and isoleucine. This variant is present in population databases (rs754050083, ExAC 0.01%). This variant has not been reported in the literature in individuals with PIGA-related conditions.

NM_002641.4(PIGA):c.305C>T (p.Thr102Ile)

Gene: PIGA (phosphatidylinositol glycan anchor biosynthesis class A; minus strand). Cytogenetic location: Xp22.2.
Variant type: single nucleotide variant.
Coding change: c.305C>T on transcript NM_002641.4 (MANE Select); coding-DNA position 305, C replaced by T.
Protein change: p.Thr102Ile; replaces threonine 102 with isoleucine.
Molecular consequence: missense variant. On other transcripts: non-coding transcript variant (1), intron variant (1).
Genome position (GRCh38, 1-based): chrX:15,331,626, G>A on the plus strand (C>T on the coding strand, the complement: PIGA is on the minus strand). VCF-style: chrX-15331626-G-A. GRCh37 (hg19) VCF-style: chrX-15349748-G-A.
Other names: c.13+3875C>T (NM_020473.3); short protein forms T102I.
Identifiers: ClinVar variation 1050873 (VCV001050873.9), dbSNP rs754050083, ClinGen allele CA10354169.